The following is an entry in ClinVar:

ClinVar aggregate classification (germline): Uncertain significance. Review status: criteria provided, multiple submitters, no conflicts (2 of 4 stars). 2 submissions from 2 submitters: Uncertain significance (2). Last evaluated 2025-01-04.

Conditions:
Cardiovascular phenotype. Identifiers: MedGen CN230736.
Brugada syndrome 4 (BRGDA4). Identifiers: Orphanet 130, MedGen C2678477, MONDO:0012743, OMIM 611876.

Submissions (2):

Ambry Genetics
Classification: Uncertain significance for Cardiovascular phenotype. Last evaluated: 2025-01-04. Review status: criteria provided, single submitter. Criteria: Ambry Variant Classification Scheme 2023. Collection method: clinical testing. Allele origin: germline.
Comment: The p.V587A variant (also known as c.1760T>C), located in coding exon 13 of the CACNB2 gene, results from a T to C substitution at nucleotide position 1760. The valine at codon 587 is replaced by alanine, an amino acid with similar properties. This amino acid position is conserved. In addition, this alteration is predicted to be tolerated by in silico analysis. Based on the available evidence, the clinical significance of this variant remains unclear.

Labcorp Genetics (formerly Invitae), Labcorp
Classification: Uncertain significance for Brugada syndrome 4. Last evaluated: 2024-06-28. Review status: criteria provided, single submitter. Criteria: Invitae Variant Classification Sherloc (09022015). Collection method: clinical testing. Allele origin: germline.
Comment: This sequence change replaces valine, which is neutral and non-polar, with alanine, which is neutral and non-polar, at codon 587 of the CACNB2 protein (p.Val587Ala). This variant is not present in population databases (gnomAD no frequency). This variant has not been reported in the literature in individuals affected with CACNB2-related conditions. An algorithm developed to predict the effect of missense changes on protein structure and function (PolyPhen-2) suggests that this variant is likely to be tolerated. In summary, the available evidence is currently insufficient to determine the role of this variant in disease. Therefore, it has been classified as a Variant of Uncertain Significance.

NM_201596.3(CACNB2):c.1922T>C (p.Val641Ala)

Gene: CACNB2 (calcium voltage-gated channel auxiliary subunit beta 2; plus strand). Cytogenetic location: 10p12.31.
Variant type: single nucleotide variant.
Coding change: c.1922T>C on transcript NM_201596.3 (MANE Select); coding-DNA position 1922, T replaced by C.
Protein change: p.Val641Ala; replaces valine 641 with alanine.
Molecular consequence: missense variant.
Genome position (GRCh38, 1-based): chr10:18,539,663, T>C. VCF-style: chr10-18539663-T-C. GRCh37 (hg19) VCF-style: chr10-18828592-T-C.
Other names: c.1757T>C, p.Val586Ala (NM_000724.4); c.1724T>C, p.Val575Ala (NM_001167945.2); c.1643T>C, p.Val548Ala (NM_001330060.2); c.1664T>C, p.Val555Ala (NM_001410882.1); c.1778T>C, p.Val593Ala (NM_201570.3); c.1838T>C, p.Val613Ala (NM_201571.4); c.1766T>C, p.Val589Ala (NM_201572.4); c.1760T>C, p.Val587Ala (NM_201590.3); and 3 more; short protein forms V575A, V617A, V593A, V603A, V548A, V555A, V587A, V613A.
Identifiers: ClinVar variation 3698687 (VCV003698687.3).